The following is an entry in ClinVar:

NM_000260.4(MYO7A):c.939C>T (p.Thr313=)

Gene: MYO7A (myosin VIIA; plus strand). Cytogenetic location: 11q13.5.
Variant type: single nucleotide variant.
Coding change: c.939C>T on transcript NM_000260.4 (MANE Select); coding-DNA position 939, C replaced by T.
Protein change: p.Thr313=; no amino-acid change (threonine 313 retained).
Molecular consequence: synonymous variant.
Genome position (GRCh38, 1-based): chr11:77,158,366, C>T. VCF-style: chr11-77158366-C-T. GRCh37 (hg19) VCF-style: chr11-76869412-C-T.
Other names: c.939C>T, p.Thr313= (NM_001127180.2); c.906C>T, p.Thr302= (NM_001369365.1); c.939C>T (NM_000260.3).
Identifiers: ClinVar variation 1577391 (VCV001577391.37), dbSNP rs782157346, ClinGen allele CA6197305.

ClinVar aggregate classification (germline): Likely benign. Review status: criteria provided, multiple submitters, no conflicts (2 of 4 stars). 4 submissions from 4 submitters: Likely benign (3). 1 of the submissions does not count toward it. Last evaluated 2024-02-20.

Conditions:
MYO7A-related disorder. Also called: MYO7A-related disorders.

Allele frequency attached by ClinVar (database versions not stated): ExAC 0.00001; gnomAD exomes 0.00001.
gnomAD v4.1: 5 of 1,613,358 alleles (0.00031%); highest among the groups gnomAD compares: South Asian, 0.0011%; no homozygotes.

Submissions (4):

Labcorp Genetics (formerly Invitae), Labcorp
Classification: Likely benign. Last evaluated: 2024-02-20. Review status: criteria provided, single submitter. Criteria: Invitae Variant Classification Sherloc (09022015). Collection method: clinical testing. Allele origin: germline.

CeGaT Center for Human Genetics Tuebingen
Classification: Likely benign. Last evaluated: 2022-11-01. Review status: criteria provided, single submitter. Criteria: CeGaT Center For Human Genetics Tuebingen Variant Classification Criteria Version 2. Collection method: clinical testing. Allele origin: germline. Affected: yes. Observed: 1 variant allele.
Comment: MYO7A: BP4, BP7

Blueprint Genetics
Classification: Likely benign. Last evaluated: 2020-10-14. Review status: criteria provided, single submitter. Criteria: ACMG Guidelines, 2015. Collection method: clinical testing. Allele origin: germline.

PreventionGenetics, part of Exact Sciences
Classification: Likely benign for MYO7A-related condition. Last evaluated: 2024-08-25. Review status: no assertion criteria provided. Collection method: clinical testing. Allele origin: germline. Not counted in ClinVar's aggregate classification.
Comment: This variant is classified as likely benign based on ACMG/AMP sequence variant interpretation guidelines (Richards et al. 2015 PMID: 25741868, with internal and published modifications).